The following is an entry in ClinVar:

NM_004409.5(DMPK):c.1054C>T (p.Pro352Ser)

Gene: DMPK (DM1 protein kinase; minus strand). Cytogenetic location: 19q13.32.
Variant type: single nucleotide variant.
Coding change: c.1054C>T on transcript NM_004409.5 (MANE Select); coding-DNA position 1054, C replaced by T.
Protein change: p.Pro352Ser; replaces proline 352 with serine.
Molecular consequence: missense variant.
Genome position (GRCh38, 1-based): chr19:45,777,419, G>A on the plus strand (C>T on the coding strand, the complement: DMPK is on the minus strand). VCF-style: chr19-45777419-G-A. GRCh37 (hg19) VCF-style: chr19-46280677-G-A.
Other names: c.1054C>T, p.Pro352Ser (NM_001081560.3, NM_001081562.3, NM_001288766.2 and 5 more transcripts); c.1084C>T, p.Pro362Ser (NM_001081563.3); c.1132C>T, p.Pro378Ser (NM_001288764.2, NM_001424163.1); c.787C>T, p.Pro263Ser (NM_001288765.2); c.613C>T, p.Pro205Ser (NM_001424166.1); short protein forms P205S, P263S, P352S, P362S, P378S.
Identifiers: ClinVar variation 4689183 (VCV004689183.1).

ClinVar aggregate classification (germline): Uncertain significance (1 of 4 stars; one submission).

Submission:

Women's Health and Genetics/Laboratory Corporation of America, LabCorp
Classification: Uncertain significance. Last evaluated: 2026-01-28. Review status: criteria provided, single submitter. Criteria: LabCorp Variant Classification Summary - May 2015. Collection method: clinical testing. Allele origin: germline.
Comment: Variant summary: DMPK c.1084C>T (p.Pro362Ser) results in a non-conservative amino acid change in the encoded protein sequence. Algorithms developed to predict the effect of missense changes on protein structure and function are either unavailable or do not agree on the potential impact of this missense change. The variant was absent in 250192 control chromosomes. The available data on variant occurrences in the general population are insufficient to allow any conclusion about variant significance. To our knowledge, no occurrence of c.1084C>T in individuals affected with DMPK-related conditions and no experimental evidence demonstrating its impact on protein function have been reported. No submitters have cited clinical-significance assessments for this variant to ClinVar. Based on the evidence outlined above, the variant was classified as uncertain significance.